The following is an entry in ClinVar:

NM_001376.5(DYNC1H1):c.5291C>T (p.Thr1764Ile)

Gene: DYNC1H1 (dynein cytoplasmic 1 heavy chain 1; plus strand). Cytogenetic location: 14q32.31.
Variant type: single nucleotide variant.
Coding change: c.5291C>T on transcript NM_001376.5 (MANE Select); coding-DNA position 5291, C replaced by T.
Protein change: p.Thr1764Ile; replaces threonine 1764 with isoleucine.
Molecular consequence: missense variant.
Genome position (GRCh38, 1-based): chr14:102,005,094, C>T. VCF-style: chr14-102005094-C-T. GRCh37 (hg19) VCF-style: chr14-102471431-C-T.
Other names: short protein forms T1764I.
Identifiers: ClinVar variation 1443954 (VCV001443954.6), dbSNP rs2141288926, ClinGen allele CA391046338.

ClinVar aggregate classification (germline): Uncertain significance (1 of 4 stars; one submission).

Conditions:
Charcot-Marie-Tooth disease axonal type 2O. Also called: Charcot-Marie-Tooth disease, axonal, type 20; CHARCOT-MARIE-TOOTH DISEASE, AXONAL, AUTOSOMAL DOMINANT, TYPE 2O; Charcot-Marie-Tooth Neuropathy Type 2O; CHARCOT-MARIE-TOOTH NEUROPATHY, AXONAL, TYPE 2O. Identifiers: Orphanet 284232, MedGen C3280220, MONDO:0013644, OMIM 614228.

Submission:

Labcorp Genetics (formerly Invitae), Labcorp
Classification: Uncertain significance for Charcot-Marie-Tooth disease axonal type 2O. Last evaluated: 2021-12-20. Review status: criteria provided, single submitter. Criteria: Invitae Variant Classification Sherloc (09022015). Collection method: clinical testing. Allele origin: germline.
Comment: In summary, the available evidence is currently insufficient to determine the role of this variant in disease. Therefore, it has been classified as a Variant of Uncertain Significance. This sequence change replaces threonine, which is neutral and polar, with isoleucine, which is neutral and non-polar, at codon 1764 of the DYNC1H1 protein (p.Thr1764Ile). This variant is not present in population databases (gnomAD no frequency). This variant has not been reported in the literature in individuals affected with DYNC1H1-related conditions. Advanced modeling of protein sequence and biophysical properties (such as structural, functional, and spatial information, amino acid conservation, physicochemical variation, residue mobility, and thermodynamic stability) performed at Invitae indicates that this missense variant is not expected to disrupt DYNC1H1 protein function.